The following is an entry in ClinVar:

NM_015001.3(SPEN):c.889T>C (p.Ser297Pro)

Gene: SPEN (spen family transcriptional repressor; plus strand). Cytogenetic location: 1p36.13.
Variant type: single nucleotide variant.
Coding change: c.889T>C on transcript NM_015001.3 (MANE Select); coding-DNA position 889, T replaced by C.
Protein change: p.Ser297Pro; replaces serine 297 with proline.
Molecular consequence: missense variant.
Genome position (GRCh38, 1-based): chr1:15,909,328, T>C. VCF-style: chr1-15909328-T-C. GRCh37 (hg19) VCF-style: chr1-16235823-T-C.
Other names: short protein forms S297P.
Identifiers: ClinVar variation 3370108 (VCV003370108.1).

ClinVar aggregate classification (germline): Uncertain significance (1 of 4 stars; one submission).

Submission:

GeneDx
Classification: Uncertain significance. Last evaluated: 2023-12-27. Review status: criteria provided, single submitter. Criteria: GeneDx Variant Classification Process June 2021. Collection method: clinical testing. Allele origin: germline. Affected: yes.
Comment: Not observed at significant frequency in large population cohorts (gnomAD); In silico analysis supports that this missense variant has a deleterious effect on protein structure/function; Has not been previously published as pathogenic or benign to our knowledge